The following is an entry in ClinVar:

ClinVar aggregate classification (germline): Uncertain significance. Review status: criteria provided, multiple submitters, no conflicts (2 of 4 stars). 3 submissions from 3 submitters: Uncertain significance (3). Last evaluated 2021-10-11.

Conditions:
MYPN-related myopathy (CMYO24). Also called: Nemaline myopathy 11, autosomal recessive. Identifiers: MedGen C4479186, MONDO:0015023, OMIM 617336.
Dilated cardiomyopathy 1KK (CMD1KK). Identifiers: Orphanet 154, Orphanet 75249, MedGen C3714995, MONDO:0014100, OMIM 615248.
Cardiovascular phenotype. Identifiers: MedGen CN230736.

Allele frequency attached by ClinVar (database versions not stated): gnomAD 0.00001; gnomAD exomes 0.00001; TOPMed 0.00001.
gnomAD v4.1: 22 of 1,613,836 alleles (0.0014%); highest among the groups gnomAD compares: Non-Finnish European, 0.0016%; no homozygotes.

Submissions (3):

Fulgent Genetics
Classification: Uncertain significance for Dilated cardiomyopathy 1KK; MYPN-related myopathy. Last evaluated: 2021-10-11. Review status: criteria provided, single submitter. Criteria: ACMG Guidelines, 2015. Collection method: clinical testing. Allele origin: unknown.

AiLife Diagnostics
Classification: Uncertain significance. Last evaluated: 2021-08-24. Review status: criteria provided, single submitter. Criteria: ACMG Guidelines, 2015. Collection method: clinical testing. Allele origin: germline. Affected: yes. Observed: 1 variant allele.

Ambry Genetics
Classification: Uncertain significance for Cardiovascular phenotype. Last evaluated: 2019-12-12. Review status: criteria provided, single submitter. Criteria: Ambry Variant Classification Scheme 2023. Collection method: clinical testing. Allele origin: germline.
Comment: The p.E282K variant (also known as c.844G>A), located in coding exon 1 of the MYPN gene, results from a G to A substitution at nucleotide position 844. The glutamic acid at codon 282 is replaced by lysine, an amino acid with similar properties. This amino acid position is highly conserved in available vertebrate species. In addition, this alteration is predicted to be deleterious by in silico analysis. Since supporting evidence is limited at this time, the clinical significance of this alteration remains unclear.

NM_032578.4(MYPN):c.844G>A (p.Glu282Lys)

Gene: MYPN (myopalladin; plus strand). Cytogenetic location: 10q21.3.
Variant type: single nucleotide variant.
Coding change: c.844G>A on transcript NM_032578.4 (MANE Select); coding-DNA position 844, G replaced by A.
Protein change: p.Glu282Lys; replaces glutamic acid 282 with lysine.
Molecular consequence: missense variant. On other transcripts: 5 prime UTR variant (1), non-coding transcript variant (1).
Genome position (GRCh38, 1-based): chr10:68,122,282, G>A. VCF-style: chr10-68122282-G-A. GRCh37 (hg19) VCF-style: chr10-69882039-G-A.
Other names: c.844G>A, p.Glu282Lys (NM_001256267.2); c.-279G>A (NM_001256268.2); short protein forms E282K.
Identifiers: ClinVar variation 1677466 (VCV001677466.4), dbSNP rs1265232754, ClinGen allele CA377105223.